The following is an entry in ClinVar:

NM_021926.4(ALX4):c.1149C>T (p.Asn383=)

Gene: ALX4 (ALX homeobox 4; minus strand). Cytogenetic location: 11p11.2.
Variant type: single nucleotide variant.
Coding change: c.1149C>T on transcript NM_021926.4 (MANE Select); coding-DNA position 1149, C replaced by T.
Protein change: p.Asn383=; no amino-acid change (asparagine 383 retained).
Molecular consequence: synonymous variant.
Genome position (GRCh38, 1-based): chr11:44,264,941, G>A on the plus strand (C>T on the coding strand, the complement: ALX4 is on the minus strand). VCF-style: chr11-44264941-G-A. GRCh37 (hg19) VCF-style: chr11-44286491-G-A.
Identifiers: ClinVar variation 877475 (VCV000877475.4), dbSNP rs376675326, ClinGen allele CA5955516.

ClinVar aggregate classification (germline): Likely benign (1 of 4 stars; one submission).

Conditions:
Parietal foramina 2 (PFM2). Identifiers: Orphanet 60015, MedGen C1865044, MONDO:0012309, OMIM 609597.

Allele frequency attached by ClinVar (database versions not stated): gnomAD exomes 0.00009; ExAC 0.00010; gnomAD 0.00016; ESP Exome Variant Server 0.00023; TOPMed 0.00023.
gnomAD v4.1: 223 of 1,612,942 alleles (0.014%); highest among the groups gnomAD compares: African/African-American, 0.024%; no homozygotes.

Submission:

Illumina Laboratory Services, Illumina
Classification: Likely benign for Parietal foramina 2. Last evaluated: 2018-01-13. Review status: criteria provided, single submitter. Criteria: ICSL Variant Classification Criteria 13 December 2019. Collection method: clinical testing. Allele origin: germline.
Comment: This variant was observed in the ICSL laboratory as part of a predisposition screen in an ostensibly healthy population. It had not been previously curated by ICSL or reported in the Human Gene Mutation Database (HGMD: prior to June 1st, 2018), and was therefore a candidate for classification through an automated scoring system. Utilizing variant allele frequency, disease prevalence and penetrance estimates, and inheritance mode, an automated score was calculated to assess if this variant is too frequent to cause the disease. Based on the score and internal cut-off values, a variant classified as likely benign is not then subjected to further curation. The score for this variant resulted in a classification of likely benign for this disease.